The following is an entry in ClinVar:

ClinVar aggregate classification (germline): Uncertain significance. Review status: criteria provided, multiple submitters, no conflicts (2 of 4 stars). 3 submissions from 3 submitters: Uncertain significance (3). Last evaluated 2025-09-02.

Conditions:
Inborn genetic diseases. Identifiers: MedGen C0950123, MeSH D030342.

Allele frequency attached by ClinVar (database versions not stated): gnomAD exomes 0.00002; TOPMed 0.00003; ExAC 0.00004; gnomAD 0.00005; ESP Exome Variant Server 0.00008.
gnomAD v4.1: 39 of 1,612,698 alleles (0.0024%); highest among the groups gnomAD compares: African/African-American, 0.012%; no homozygotes.

Submissions (3):

Labcorp Genetics (formerly Invitae), Labcorp
Classification: Uncertain significance. Last evaluated: 2025-09-02. Review status: criteria provided, single submitter. Criteria: Invitae Variant Classification Sherloc (09022015). Collection method: clinical testing. Allele origin: germline.
Comment: This sequence change replaces arginine, which is basic and polar, with cysteine, which is neutral and slightly polar, at codon 821 of the ENPP1 protein (p.Arg821Cys). This variant is present in population databases (rs141020601, gnomAD 0.03%). This variant has not been reported in the literature in individuals affected with ENPP1-related conditions. ClinVar contains an entry for this variant (Variation ID: 2197726). Invitae Evidence Modeling of protein sequence and biophysical properties (such as structural, functional, and spatial information, amino acid conservation, physicochemical variation, residue mobility, and thermodynamic stability) indicates that this missense variant is not expected to disrupt ENPP1 protein function with a negative predictive value of 80%. In summary, the available evidence is currently insufficient to determine the role of this variant in disease. Therefore, it has been classified as a Variant of Uncertain Significance.

Women's Health and Genetics/Laboratory Corporation of America, LabCorp
Classification: Uncertain significance. Last evaluated: 2025-05-06. Review status: criteria provided, single submitter. Criteria: LabCorp Variant Classification Summary - May 2015. Collection method: clinical testing. Allele origin: germline.
Comment: Variant summary: ENPP1 c.2461C>T (p.Arg821Cys) results in a non-conservative amino acid change in the encoded protein sequence. Algorithms developed to predict the effect of missense changes on protein structure and function are either unavailable or do not agree on the potential impact of this missense change. The variant allele was found at a frequency of 2.4e-05 in 251046 control chromosomes (gnomAD). The available data on variant occurrences in the general population are insufficient to allow any conclusion about variant significance. To our knowledge, no occurrence of c.2461C>T in individuals affected with ENPP1-Related Disorders and no experimental evidence demonstrating its impact on protein function have been reported. ClinVar contains an entry for this variant (Variation ID: 2197726). Based on the evidence outlined above, the variant was classified as uncertain significance.

Ambry Genetics
Classification: Uncertain significance for Inborn genetic diseases. Last evaluated: 2025-03-19. Review status: criteria provided, single submitter. Criteria: Ambry Variant Classification Scheme 2023. Collection method: clinical testing. Allele origin: germline.

NM_006208.3(ENPP1):c.2461C>T (p.Arg821Cys)

Gene: ENPP1 (ectonucleotide pyrophosphatase/phosphodiesterase 1; plus strand). Cytogenetic location: 6q23.2.
Variant type: single nucleotide variant.
Coding change: c.2461C>T on transcript NM_006208.3 (MANE Select); coding-DNA position 2461, C replaced by T.
Protein change: p.Arg821Cys; replaces arginine 821 with cysteine.
Molecular consequence: missense variant.
Genome position (GRCh38, 1-based): chr6:131,886,578, C>T. VCF-style: chr6-131886578-C-T. GRCh37 (hg19) VCF-style: chr6-132207718-C-T.
Other names: c.2461C>T (NM_006208.2); short protein forms R821C.
Identifiers: ClinVar variation 2197726 (VCV002197726.8), dbSNP rs141020601, ClinGen allele CA4002546.
Genomic context (GRCh38, chr6:131,886,578, plus strand): 5'-GATAGTTATTTCTTTCTTAAAATGAATATTGGCATGTTTTACAGAAAAAGAAGAGTCATC[C>T]GTAACCAAGAAATTTTGATTCCAACTCACTTCTTTATTGTGCTAACAAGCTGTAAAGATA-3'
Protein context (NP_006199.2, residues 811-831): ENLRQKRRVI[Arg821Cys]NQEILIPTHF